The following is an entry in ClinVar:

NM_001040108.2(MLH3):c.861T>C (p.Ser287=)

Gene: MLH3 (mutL homolog 3; minus strand). Cytogenetic location: 14q24.3.
Variant type: single nucleotide variant.
Coding change: c.861T>C on transcript NM_001040108.2 (MANE Select); coding-DNA position 861, T replaced by C.
Protein change: p.Ser287=; no amino-acid change (serine 287 retained).
Molecular consequence: synonymous variant.
Genome position (GRCh38, 1-based): chr14:75,048,795, A>G on the plus strand (T>C on the coding strand, the complement: MLH3 is on the minus strand). VCF-style: chr14-75048795-A-G. GRCh37 (hg19) VCF-style: chr14-75515498-A-G.
Other names: c.861T>C, p.Ser287= (NM_014381.3).
Identifiers: ClinVar variation 544289 (VCV000544289.17), dbSNP rs201745687, ClinGen allele CA7275959.

ClinVar aggregate classification (germline): Benign/Likely benign. Review status: criteria provided, multiple submitters, no conflicts (2 of 4 stars). 4 submissions from 4 submitters: Benign (1); Likely benign (2). 1 of the submissions does not count toward it. Last evaluated 2026-04-29.

Conditions:
MLH3-related disorder. Also called: MLH3-related condition.
Colorectal cancer, hereditary nonpolyposis, type 7. Identifiers: Orphanet 144, MedGen C1858380, MONDO:0013725, OMIM 614385.

Allele frequency attached by ClinVar (database versions not stated): gnomAD 0.00001 and 0.00002; ExAC 0.00002; TOPMed 0.00002; gnomAD exomes 0.00010 and 0.00002.

Submissions (4):

Myriad Genetics, Inc.
Classification: Benign for Colorectal cancer, hereditary nonpolyposis, type 7. Last evaluated: 2026-04-29. Review status: criteria provided, single submitter. Criteria: Myriad Autosomal Dominant, Autosomal Recessive and X-Linked Classification Criteria (2023). Collection method: clinical testing. Allele origin: unknown.
Comment: This variant is considered benign. This variant is a silent/synonymous amino acid change and it is not expected to impact splicing.

Labcorp Genetics (formerly Invitae), Labcorp
Classification: Likely benign for Colorectal cancer, hereditary nonpolyposis, type 7. Last evaluated: 2024-07-22. Review status: criteria provided, single submitter. Criteria: Invitae Variant Classification Sherloc (09022015). Collection method: clinical testing. Allele origin: germline.

Ambry Genetics
Classification: Likely benign. Last evaluated: 2021-02-03. Review status: criteria provided, single submitter. Criteria: Ambry Variant Classification Scheme 2023. Collection method: clinical testing. Allele origin: germline.

PreventionGenetics, part of Exact Sciences
Classification: Likely benign for MLH3-related condition. Last evaluated: 2022-01-18. Review status: no assertion criteria provided. Collection method: clinical testing. Allele origin: germline. Not counted in ClinVar's aggregate classification.
Comment: This variant is classified as likely benign based on ACMG/AMP sequence variant interpretation guidelines (Richards et al. 2015 PMID: 25741868, with internal and published modifications).